The following is an entry in ClinVar:

NM_000553.6(WRN):c.2630+5A>C

Gene: WRN (WRN RecQ like helicase; plus strand). Cytogenetic location: 8p12.
Variant type: single nucleotide variant.
Coding change: c.2630+5A>C on transcript NM_000553.6 (MANE Select); 5 bases into the intron after coding-DNA position 2630, A replaced by C.
Molecular consequence: intron variant.
Genome position (GRCh38, 1-based): chr8:31,120,429, A>C. VCF-style: chr8-31120429-A-C. GRCh37 (hg19) VCF-style: chr8-30977945-A-C.
Identifiers: ClinVar variation 1012095 (VCV001012095.5), dbSNP rs773710561, ClinGen allele CA4704790.

ClinVar aggregate classification (germline): Uncertain significance (1 of 4 stars; one submission).

Conditions:
Werner syndrome (WRN). Identifiers: Orphanet 902, MedGen C0043119, MONDO:0010196, OMIM 277700.

Allele frequency attached by ClinVar (database versions not stated): gnomAD exomes below 0.00001; ExAC 0.00001.
gnomAD v4.1: 2 of 1,611,050 alleles (0.00012%); no homozygotes.

Submission:

Labcorp Genetics (formerly Invitae), Labcorp
Classification: Uncertain significance for Werner syndrome. Last evaluated: 2022-11-13. Review status: criteria provided, single submitter. Criteria: Invitae Variant Classification Sherloc (09022015). Collection method: clinical testing. Allele origin: germline.
Comment: In summary, the available evidence is currently insufficient to determine the role of this variant in disease. Therefore, it has been classified as a Variant of Uncertain Significance. Variants that disrupt the consensus splice site are a relatively common cause of aberrant splicing (PMID: 17576681, 9536098). Algorithms developed to predict the effect of sequence changes on RNA splicing suggest that this variant is not likely to affect RNA splicing. ClinVar contains an entry for this variant (Variation ID: 1012095). This variant has not been reported in the literature in individuals affected with WRN-related conditions. This variant is present in population databases (rs773710561, gnomAD 0.0009%). This sequence change falls in intron 21 of the WRN gene. It does not directly change the encoded amino acid sequence of the WRN protein. It affects a nucleotide within the consensus splice site.

Literature cited by the submitters: PubMed 17576681; PubMed 9536098.